The following is an entry in ClinVar:

NM_002010.3(FGF9):c.96_98del (p.Leu33del)

Gene: FGF9 (fibroblast growth factor 9; plus strand). Cytogenetic location: 13q12.11.
Variant type: Deletion.
Coding change: c.96_98del on transcript NM_002010.3 (MANE Select); coding-DNA positions 96 to 98, 3 bases deleted (GTT; older notation c.96_98delGTT).
Protein change: p.Leu33del; deletes leucine 33.
Molecular consequence: inframe deletion.
Genome position (GRCh38, 1-based): chr13:21,672,008-21,672,010, GTT deleted; deleting any 3 consecutive bases within chr13:21,672,006-21,672,010 gives the same sequence; the c. name uses the placement nearest the transcript's 3' end. VCF-style (leftmost placement, unchanged base first): chr13-21672005-TTTG-T. GRCh37 (hg19) VCF-style: chr13-22246144-TTTG-T.
Other names: short protein forms L33del.
Identifiers: ClinVar variation 1909555 (VCV001909555.5), dbSNP rs758207436, ClinGen allele CA246851934.
Genomic context (GRCh38, chr13:21,672,005, plus strand): 5'-CGGTGTGCAGGATGCGGTACCGTTTGGGAATGTGCCCGTGTTGCCGGTGGACAGCCCGGT[TTTG>T]TTAAGTGACCACCTGGGTCAGTCCGAAGCAGGGGGGCTCCCCAGGGGACCCGCAGTCACG-3'

ClinVar aggregate classification (germline): Uncertain significance (1 of 4 stars; one submission).

Submission:

Labcorp Genetics (formerly Invitae), Labcorp
Classification: Uncertain significance. Last evaluated: 2025-03-17. Review status: criteria provided, single submitter. Criteria: Invitae Variant Classification Sherloc (09022015). Collection method: clinical testing. Allele origin: germline.
Comment: This variant, c.96_98del, results in the deletion of 1 amino acid(s) of the FGF9 protein (p.Leu33del), but otherwise preserves the integrity of the reading frame. This variant is not present in population databases (gnomAD no frequency). This variant has not been reported in the literature in individuals affected with FGF9-related conditions. ClinVar contains an entry for this variant (Variation ID: 1909555). Experimental studies and prediction algorithms are not available or were not evaluated, and the functional significance of this variant is currently unknown. In summary, the available evidence is currently insufficient to determine the role of this variant in disease. Therefore, it has been classified as a Variant of Uncertain Significance.